The following is an entry in ClinVar:

NM_000257.4(MYH7):c.2021_2022del (p.Ile674fs)

Gene: MYH7 (myosin heavy chain 7; minus strand). Cytogenetic location: 14q11.2.
Variant type: Deletion.
Coding change: c.2021_2022del on transcript NM_000257.4 (MANE Select); coding-DNA positions 2021 to 2022, 2 bases deleted (TC; older notation c.2021_2022delTC).
Protein change: p.Ile674fs; shifts the reading frame from isoleucine 674.
Molecular consequence: frameshift variant.
Genome position (GRCh38, 1-based): chr14:23,426,799-23,426,800, GA deleted on the plus strand (TC on the coding strand, the reverse complement: MYH7 is on the minus strand). VCF-style (leftmost placement, unchanged base first): chr14-23426798-GGA-G. GRCh37 (hg19) VCF-style: chr14-23896007-GGA-G.
Other names: c.2021_2022del, p.Ile674fs (NM_001407004.1); short protein forms I674fs.
Identifiers: ClinVar variation 2773953 (VCV002773953.2), dbSNP rs2502292401, ClinGen allele CA2624231875.

ClinVar aggregate classification (germline): Uncertain significance (1 of 4 stars; one submission).

Conditions:
Cardiomyopathy (CMYO). Also called: Cardiomyopathies. Identifiers: Orphanet 167848, MedGen C0878544, MONDO:0004994, HP:0001638. Inheritance: Various modes of inheritance.

Allele frequency attached by ClinVar (database versions not stated): gnomAD exomes below 0.00001.

Submission:

Color Diagnostics, LLC DBA Color Health
Classification: Uncertain significance for Cardiomyopathy. Last evaluated: 2023-12-11. Review status: criteria provided, single submitter. Criteria: ACMG Guidelines, 2015. Collection method: clinical testing. Allele origin: germline.
Comment: This variant deletes 2 nucleotides in exon 18 of the MYH7 gene, creating a frameshift and premature translation stop signal. This variant is expected to result in an absent or non-functional protein product. To our knowledge, this variant has not been reported in individuals affected with MYH7-related disorders in the literature. This variant has not been identified in the general population by the Genome Aggregation Database (gnomAD). Clinical relevance of loss-of-function MYH7 truncation variants in autosomal dominant cardiovascular disorders is not clearly established. The available evidence is insufficient to determine the role of this variant in disease conclusively. Therefore, this variant is classified as a Variant of Uncertain Significance.